The following is an entry in ClinVar:

ClinVar aggregate classification (germline): Conflicting classifications of pathogenicity. Review status: criteria provided, conflicting classifications (1 of 4 stars). 6 submissions from 5 submitters: Pathogenic (3); Uncertain significance (2). 1 of the submissions does not count toward it. Last evaluated 2023-08-20.

Conditions:
Hyperinsulinemic hypoglycemia, familial, 1 (HHF1). Also called: HYPERINSULINISM, FAMILIAL, WITH PANCREATIC NESIDIOBLASTOSIS; HYPOGLYCEMIA, HYPERINSULINEMIC, OF INFANCY; NESIDIOBLASTOSIS OF PANCREAS; Persistent hyperinsulinemic hypoglycemia of infancy; Persistent Hyperinsulinemia Hypoglycemia of Infancy. Identifiers: Orphanet 276575, Orphanet 276598, MedGen C2931832, MONDO:0009734, OMIM 256450.
Transitory neonatal diabetes mellitus. Also called: Transient neonatal diabetes mellitus. Identifiers: MedGen C0342273, MONDO:0020525, HP:0008255.
Familial hyperinsulinism. Also called: Congenital hyperinsulinism. Identifiers: Orphanet 276525, MedGen C3888018, MONDO:0017182. Disease mechanism: loss of function.
Maturity-onset diabetes of the young (MODY). Also called: Maturity onset diabetes mellitus in young. Identifiers: Orphanet 552, MedGen C0342276, MONDO:0018911, HP:0004904.
Type 2 diabetes mellitus. Also called: Type II diabetes mellitus. Identifiers: MedGen C0011860, MeSH D003924, MONDO:0005148, OMIM 125853, HP:0005978.

Allele frequency attached by ClinVar (database versions not stated): gnomAD 0.00001; TOPMed 0.00001.
gnomAD v4.1: 2 of 1,609,614 alleles (0.00012%); highest among the groups gnomAD compares: African/African-American, 0.0013%; no homozygotes.

Submissions (6):

Baylor Genetics
Classification: Pathogenic for Type 2 diabetes mellitus. Last evaluated: 2023-08-20. Review status: criteria provided, single submitter. Criteria: ACMG Guidelines, 2015. Collection method: clinical testing. Allele origin: unknown.

Labcorp Genetics (formerly Invitae), Labcorp
Classification: Pathogenic. Last evaluated: 2023-02-28. Review status: criteria provided, single submitter. Criteria: Invitae Variant Classification Sherloc (09022015). Collection method: clinical testing. Allele origin: germline.
Comment: Disruption of this splice site has been observed in individuals with autosomal recessive congenital hyperinsulinism (PMID: 23275527). This variant is also known as c.2698-1G>C. ClinVar contains an entry for this variant (Variation ID: 371626). This sequence change affects an acceptor splice site in intron 22 of the ABCC8 gene. It is expected to disrupt RNA splicing. Variants that disrupt the donor or acceptor splice site typically lead to a loss of protein function (PMID: 16199547), and loss-of-function variants in ABCC8 are known to be pathogenic (PMID: 20685672, 23345197). This variant is not present in population databases (gnomAD no frequency). For these reasons, this variant has been classified as Pathogenic. Algorithms developed to predict the effect of sequence changes on RNA splicing suggest that this variant may disrupt the consensus splice site.

Women's Health and Genetics/Laboratory Corporation of America, LabCorp
Classification: Pathogenic for Familial hyperinsulinism. Last evaluated: 2016-12-01. Review status: criteria provided, single submitter. Criteria: LabCorp Variant Classification Summary - May 2015. Collection method: clinical testing. Allele origin: germline.
Comment: Variant summary: The ABCC8 c.2695-1G>C variant involves the alteration of a conserved intronic nucleotide, at a position known to affect splicing, which 5/5 splice prediction tools predict the loss of a splice site, although these predictions have yet to be functionally assessed. The variant of interest has not been observed in controls (ExAC, 1000 Gs, or ESP) and a publication indicates the variant was observed in one child diagnosed with Congenital Hyperinsulinism. A database has cited the variant as a disease causing mutation. Therefore, the variant of interest has been classified as Pathogenic.

Clinical Genomics, Uppaluri K&H Personalized Medicine Clinic
Classification: Uncertain significance for Maturity-onset diabetes of the young. Review status: criteria provided, single submitter. Criteria: K & H Uppaluri Personalized Medicine Clinic Variant Classification & Assertion Criteria_Updated V.1. Collection method: research. Allele origin: unknown. Inheritance: Somatic mutation.
Comment: Mutations in ABCC8 gene are associated with both neonatal diabetes mellitus as well as MODY. Patients with this mutation may have a better response to sulfonylureas. However, no sufficient evidence is found to ascertain the role of this particular variant ( rs1057517420) in MODY yet.

Clinical Genomics, Uppaluri K&H Personalized Medicine Clinic
Classification: Uncertain significance for Transitory neonatal diabetes mellitus. Review status: criteria provided, single submitter. Criteria: K & H Uppaluri Personalized Medicine Clinic Variant Classification & Assertion Criteria_Updated V.1. Collection method: research. Allele origin: unknown. Inheritance: Somatic mutation.
Comment: Mutations in ABCC8 gene are associated with both neonatal diabetes mellitus as well as MODY. Patients with this mutation may have a better response to sulfonylureas. However, no sufficient evidence is found to ascertain the role of this particular variant ( rs1057517420) in neonatal diabetes yet.

Counsyl
Classification: Likely pathogenic for Hyperinsulinemic hypoglycemia, familial, 1. Last evaluated: 2016-11-02. Review status: no assertion criteria provided. Collection method: clinical testing. Allele origin: unknown. Not counted in ClinVar's aggregate classification.

Literature cited by the submitters: PubMed 23275527 (cited by 3 submitters); PubMed 16199547 (cited by Labcorp Genetics (formerly Invitae), Labcorp); PubMed 20685672 (cited by Labcorp Genetics (formerly Invitae), Labcorp); PubMed 23345197 (cited by Labcorp Genetics (formerly Invitae), Labcorp); PubMed 16885549 (cited by Clinical Genomics, Uppaluri K&H Personalized Medicine Clinic); PubMed 21989597 (cited by Clinical Genomics, Uppaluri K&H Personalized Medicine Clinic); PubMed 27538677 (cited by Clinical Genomics, Uppaluri K&H Personalized Medicine Clinic); PubMed 18981553 (cited by Clinical Genomics, Uppaluri K&H Personalized Medicine Clinic); PubMed 32027066 (cited by Clinical Genomics, Uppaluri K&H Personalized Medicine Clinic); PubMed 16613899 (cited by Clinical Genomics, Uppaluri K&H Personalized Medicine Clinic); PubMed 18025408 (cited by Clinical Genomics, Uppaluri K&H Personalized Medicine Clinic); PubMed 32792356 (cited by Clinical Genomics, Uppaluri K&H Personalized Medicine Clinic).

NM_000352.6(ABCC8):c.2695-1G>C

Gene: ABCC8 (ATP binding cassette subfamily C member 8; minus strand). Cytogenetic location: 11p15.1.
Variant type: single nucleotide variant.
Coding change: c.2695-1G>C on transcript NM_000352.6 (MANE Select); the canonical splice acceptor site of the intron before coding-DNA position 2695, G replaced by C.
Molecular consequence: splice acceptor variant.
Genome position (GRCh38, 1-based): chr11:17,408,518, C>G on the plus strand (G>C on the coding strand, the complement: ABCC8 is on the minus strand). VCF-style: chr11-17408518-C-G. GRCh37 (hg19) VCF-style: chr11-17430065-C-G.
Other names: c.2692-1G>C (NM_001351297.2); c.2695-1G>C (NM_001351296.2); c.2761-1G>C (NM_001351295.2); c.2698-1G>C (NM_001287174.3).
Identifiers: ClinVar variation 371626 (VCV000371626.10), dbSNP rs1057517420, ClinGen allele CA16041446.